The following is an entry in ClinVar:

ClinVar aggregate classification (germline): Uncertain significance (1 of 4 stars; one submission).

Conditions:
Hereditary cancer-predisposing syndrome. Also called: Tumor predisposition; Neoplastic Syndromes, Hereditary; Hereditary neoplastic syndrome; Hereditary Cancer Syndrome. Identifiers: Orphanet 140162, MedGen C0027672, MeSH D009386, MONDO:0015356.

Submission:

Ambry Genetics
Classification: Uncertain significance for Hereditary cancer-predisposing syndrome. Last evaluated: 2025-08-27. Review status: criteria provided, single submitter. Criteria: Ambry Variant Classification Scheme 2023. Collection method: clinical testing. Allele origin: germline.
Comment: The p.L476V variant (also known as c.1426C>G), located in coding exon 14 of the MUTYH gene, results from a C to G substitution at nucleotide position 1426. The leucine at codon 476 is replaced by valine, an amino acid with highly similar properties. This amino acid position is conserved. In addition, the in silico prediction for this alteration is inconclusive. Based on the available evidence, the clinical significance of this variant remains unclear.

NM_001048174.2(MUTYH):c.1342C>G (p.Leu448Val)

Gene: MUTYH (mutY DNA glycosylase; minus strand). Cytogenetic location: 1p34.1.
Variant type: single nucleotide variant.
Coding change: c.1342C>G on transcript NM_001048174.2 (MANE Select); coding-DNA position 1342, C replaced by G.
Protein change: p.Leu448Val; replaces leucine 448 with valine.
Molecular consequence: missense variant. On other transcripts: non-coding transcript variant (7).
Genome position (GRCh38, 1-based): chr1:45,331,232, G>C on the plus strand (C>G on the coding strand, the complement: MUTYH is on the minus strand). VCF-style: chr1-45331232-G-C. GRCh37 (hg19) VCF-style: chr1-45796904-G-C.
Other names: c.997C>G, p.Leu333Val (NM_001407082.1, NM_001350650.2, NM_001350651.2); c.1384C>G, p.Leu462Val (NM_001407083.1, NM_001407085.1); c.1342C>G, p.Leu448Val (NM_001048171.2, NM_001048173.2, NM_001293195.2 and 6 more transcripts); c.1345C>G, p.Leu449Val (NM_001048172.2, NM_001407071.1, NM_001407086.1 and 1 more transcripts); c.1426C>G, p.Leu476Val (NM_001128425.2); c.1387C>G, p.Leu463Val (NM_001293190.2); c.1375C>G, p.Leu459Val (NM_001293191.2, NM_001407069.1, NM_001407077.1); c.1066C>G, p.Leu356Val (NM_001293192.2, NM_001293196.2, NM_001407091.1); and 5 more; short protein forms L333V, L435V, L448V, L420V, L459V, L434V, L449V, L462V.
Identifiers: ClinVar variation 4113234 (VCV004113234.1).
Genomic context (GRCh38, chr1:45,331,232, plus strand): 5'-AAGGTAGTGCCTTTTTCATGGCGGTGGAAACAGCTGCGGTGTGAAATTCCTCCTGCGTCA[G>C]CCAGCGAGCACCTGGTGGTACGGTGGTCACTGGGGTCTGCCCTTCCAAGGCCAGCCCATA-3'
Protein context (NP_001041639.1, residues 438-458): VTTVPPGARW[Leu448Val]TQEEFHTAAV